The following is an entry in ClinVar:

NM_000059.4(BRCA2):c.892A>G (p.Thr298Ala)

Gene: BRCA2 (BRCA2 DNA repair associated; plus strand). Cytogenetic location: 13q13.1.
Variant type: single nucleotide variant.
Coding change: c.892A>G on transcript NM_000059.4 (MANE Select); coding-DNA position 892, A replaced by G.
Protein change: p.Thr298Ala; replaces threonine 298 with alanine.
Molecular consequence: missense variant.
Genome position (GRCh38, 1-based): chr13:32,332,370, A>G. VCF-style: chr13-32332370-A-G. GRCh37 (hg19) VCF-style: chr13-32906507-A-G.
Other names: short protein forms T298A.
Identifiers: ClinVar variation 1330122 (VCV001330122.3), dbSNP rs2137465582, ClinGen allele CA387760663.
Genomic context (GRCh38, chr13:32,332,370, plus strand): 5'-AGCTGCAAAGACCACATTGGAAAGTCAATGCCAAATGTCCTAGAAGATGAAGTATATGAA[A>G]CAGTTGTAGATACCTCTGAAGAAGATAGTTTTTCATTATGTTTTTCTAAATGTAGAACAA-3'
Protein context (NP_000050.3, residues 288-308): PNVLEDEVYE[Thr298Ala]VVDTSEEDSF

ClinVar aggregate classification (germline): Conflicting classifications of pathogenicity. Review status: criteria provided, conflicting classifications (1 of 4 stars). 2 submissions from 2 submitters: Uncertain significance (1); Likely benign (1). Last evaluated 2023-03-23.

Conditions:
Hereditary cancer-predisposing syndrome. Also called: Hereditary Cancer Syndrome; Tumor predisposition; Neoplastic Syndromes, Hereditary; Hereditary neoplastic syndrome. Identifiers: Orphanet 140162, MedGen C0027672, MeSH D009386, MONDO:0015356.

Submissions (2):

University of Washington Department of Laboratory Medicine, University of Washington
Classification: Likely benign for Hereditary cancer-predisposing syndrome. Last evaluated: 2023-03-23. Review status: criteria provided, single submitter. Criteria: Dines et al. (Genet Med. 2020). Collection method: curation. Allele origin: germline.
Comment: Missense variant in a coldspot region where missense variants are very unlikely to be pathogenic (PMID:31911673).

BRCA2 exon 10 coldspot. Reclassification based on statistical prior probability.

Quest Diagnostics Nichols Institute San Juan Capistrano
Classification: Uncertain significance. Last evaluated: 2021-05-07. Review status: criteria provided, single submitter. Criteria: Quest Diagnostics criteria. Collection method: clinical testing. Allele origin: unknown.